The following is an entry in ClinVar:

ClinVar aggregate classification (germline): Uncertain significance (1 of 4 stars; one submission).

Conditions:
Colorectal cancer, susceptibility to, 12 (CRCS12). Also called: COLORECTAL CANCER, SUSCEPTIBILITY TO, ON CHROMOSOME 12q24. Identifiers: Orphanet 220460, MedGen C3554460, MONDO:0014038, OMIM 615083.

Submission:

Labcorp Genetics (formerly Invitae), Labcorp
Classification: Uncertain significance for Colorectal cancer, susceptibility to, 12. Last evaluated: 2019-01-22. Review status: criteria provided, single submitter. Criteria: Invitae Variant Classification Sherloc (09022015). Collection method: clinical testing. Allele origin: germline.
Comment: This variant results in a copy number gain of the genomic region encompassing exons 1-29 of the POLE gene. The 5' end of this event is unknown as it extends beyond the assayed region for this gene and therefore may encompass additional genes. The 3' boundary is likely confined to intron 29 of the POLE gene. As the precise location of this event is unknown, it may be in tandem or it may be located elsewhere in the genome. This variant has not been reported in the literature in individuals with POLE-related conditions. In summary, the available evidence is currently insufficient to determine the role of this variant in disease. Therefore, it has been classified as a Variant of Uncertain Significance.

NC_000012.12:g.(?_132657126)_(132687325_?)dup

Gene: POLE (DNA polymerase epsilon, catalytic subunit; minus strand). Cytogenetic location: 12q24.33.
Variant type: Duplication.
Identifiers: ClinVar variation 832009 (VCV000832009.2).